The following is an entry in ClinVar:

NM_001614.5(ACTG1):c.615G>A (p.Glu205=)

Gene: ACTG1 (actin gamma 1; minus strand). Cytogenetic location: 17q25.3.
Variant type: single nucleotide variant.
Coding change: c.615G>A on transcript NM_001614.5 (MANE Select); coding-DNA position 615, G replaced by A.
Protein change: p.Glu205=; no amino-acid change (glutamic acid 205 retained).
Molecular consequence: synonymous variant. On other transcripts: non-coding transcript variant (1).
Genome position (GRCh38, 1-based): chr17:81,511,375, C>T on the plus strand (G>A on the coding strand, the complement: ACTG1 is on the minus strand). VCF-style: chr17-81511375-C-T. GRCh37 (hg19) VCF-style: chr17-79478401-C-T.
Other names: c.615G>A, p.Glu205= (NM_001199954.3).
Identifiers: ClinVar variation 3029280 (VCV003029280.2), dbSNP rs2544388768, ClinGen allele CA502419401.

ClinVar aggregate classification (germline): Likely benign (0 of 4 stars; one submission).

Conditions:
ACTG1-related disorder. Also called: ACTG1-related condition; ACTG1-related disorders.

Allele frequency attached by ClinVar (database versions not stated): gnomAD exomes below 0.00001.
gnomAD v4.1: 2 of 1,613,966 alleles (0.00012%); highest among the groups gnomAD compares: East Asian, 0.0022%; no homozygotes.

Submission:

PreventionGenetics, part of Exact Sciences
Classification: Likely benign for ACTG1-related condition. Last evaluated: 2021-10-25. Review status: no assertion criteria provided. Collection method: clinical testing. Allele origin: germline.
Comment: This variant is classified as likely benign based on ACMG/AMP sequence variant interpretation guidelines (Richards et al. 2015 PMID: 25741868, with internal and published modifications).